The following is an entry in ClinVar:

NM_001868.4(CPA1):c.166C>T (p.Pro56Ser)

Gene: CPA1 (carboxypeptidase A1; plus strand). Cytogenetic location: 7q32.2.
Variant type: single nucleotide variant.
Coding change: c.166C>T on transcript NM_001868.4 (MANE Select); coding-DNA position 166, C replaced by T.
Protein change: p.Pro56Ser; replaces proline 56 with serine.
Molecular consequence: missense variant.
Genome position (GRCh38, 1-based): chr7:130,381,648, C>T. VCF-style: chr7-130381648-C-T. GRCh37 (hg19) VCF-style: chr7-130021489-C-T.
Other names: short protein forms P56S.
Identifiers: ClinVar variation 5034908 (VCV005034908.1).

ClinVar aggregate classification (germline): Uncertain significance (1 of 4 stars; one submission).

Conditions:
Hereditary pancreatitis (PCTT). Also called: Hereditary chronic pancreatitis; PRSS1-Related Hereditary Pancreatitis. Identifiers: Orphanet 676, MedGen C0238339, MONDO:0008185, OMIM 167800.

gnomAD v4.1: 1 of 1,613,742 alleles (0.000062%); highest among the groups gnomAD compares: Non-Finnish European, 0.000085%; no homozygotes.

Submission:

Ambry Genetics
Classification: Uncertain significance for Hereditary pancreatitis. Last evaluated: 2026-07-05. Review status: criteria provided, single submitter. Criteria: Ambry Variant Classification Scheme 2023. Collection method: clinical testing. Allele origin: germline.
Comment: The p.P56S variant (also known as c.166C>T), located in coding exon 3 of the CPA1 gene, results from a C to T substitution at nucleotide position 166. The proline at codon 56 is replaced by serine, an amino acid with similar properties. This amino acid position is conserved. In addition, this alteration is predicted to be tolerated by in silico analysis. Based on the available evidence, the clinical significance of this variant remains unclear.